The following is an entry in ClinVar:

ClinVar aggregate classification (germline): Uncertain significance. Review status: criteria provided, multiple submitters, no conflicts (2 of 4 stars). 3 submissions from 3 submitters: Uncertain significance (3). Last evaluated 2024-07-30.

Conditions:
Danon disease. Also called: Glycogen Storage Disease Type IIb; PSEUDOGLYCOGENOSIS II; GSD IIb; LYSOSOMAL GLYCOGEN STORAGE DISEASE WITHOUT ACID MALTASE DEFICIENCY; ANTOPOL DISEASE. Identifiers: Orphanet 34587, MedGen C0878677, MONDO:0010281, OMIM 300257.
Cardiovascular phenotype. Identifiers: MedGen CN230736.

Submissions (3):

Revvity Omics, Revvity
Classification: Uncertain significance for Danon disease. Last evaluated: 2024-07-30. Review status: criteria provided, single submitter. Criteria: ACMG Guidelines, 2015. Collection method: clinical testing. Allele origin: germline.

Labcorp Genetics (formerly Invitae), Labcorp
Classification: Uncertain significance for Danon disease. Last evaluated: 2024-05-26. Review status: criteria provided, single submitter. Criteria: Invitae Variant Classification Sherloc (09022015). Collection method: clinical testing. Allele origin: germline.
Comment: This sequence change affects an acceptor splice site in intron 8 of the LAMP2 gene. While this variant is not anticipated to result in nonsense mediated decay, it likely alters RNA splicing and results in a disrupted protein product. This variant is present in population databases (no rsID available, gnomAD 0.02%), including at least one homozygous and/or hemizygous individual. This variant has not been reported in the literature in individuals affected with LAMP2-related conditions. ClinVar contains an entry for this variant (Variation ID: 962708). Variants that disrupt the consensus splice site are a relatively common cause of aberrant splicing (PMID: 17576681, 9536098). Algorithms developed to predict the effect of sequence changes on RNA splicing suggest that this variant may disrupt the consensus splice site. In summary, the available evidence is currently insufficient to determine the role of this variant in disease. Therefore, it has been classified as a Variant of Uncertain Significance.

Ambry Genetics
Classification: Uncertain significance for Cardiovascular phenotype. Last evaluated: 2023-06-22. Review status: criteria provided, single submitter. Criteria: Ambry Variant Classification Scheme 2023. Collection method: clinical testing. Allele origin: germline.
Comment: The c.1094-1G>C intronic variant results from a G to C substitution one nucleotide upstream from coding exon 9 of the LAMP2 gene. This nucleotide position is highly conserved in available vertebrate species. In silico splice site analysis predicts that this alteration will not have any significant effect on splicing. Based on data from gnomAD, the C allele has an overall frequency of <0.01% (1/22016) total alleles studied, with 1 hemizygote(s) observed. The highest observed frequency was 0.02% (1/5913) of African alleles. This alteration occurs at the 3' terminus of theLAMP2 gene, is not expected to trigger nonsense-mediated mRNAdecay, and only impacts <0.01% of the protein. The exact functional effect of this alteration is unknown. Since supporting evidence is limited at this time, the clinical significance of this alteration remains unclear.

Literature cited by the submitters: PubMed 17576681 (cited by Labcorp Genetics (formerly Invitae), Labcorp); PubMed 9536098 (cited by Labcorp Genetics (formerly Invitae), Labcorp).

NM_002294.3(LAMP2):c.1094-1G>C

Gene: LAMP2 (lysosome associated membrane protein 2; minus strand). Cytogenetic location: Xq24.
Variant type: single nucleotide variant.
Coding change: c.1094-1G>C on transcript NM_002294.3 (MANE Select); the canonical splice acceptor site of the intron before coding-DNA position 1094, G replaced by C.
Molecular consequence: splice acceptor variant. On other transcripts: intron variant (1).
Genome position (GRCh38, 1-based): chrX:120,431,463, C>G on the plus strand (G>C on the coding strand, the complement: LAMP2 is on the minus strand). VCF-style: chrX-120431463-C-G. GRCh37 (hg19) VCF-style: chrX-119565318-C-G.
Other names: c.1094-2837G>C (NM_001122606.1).
Identifiers: ClinVar variation 962708 (VCV000962708.11), dbSNP rs1331940434, ClinGen allele CA414398438.
Genomic context (GRCh38, chrX:120,431,463, plus strand): 5'-AGGCAGCTCCCACCGCTATGGGCACAAGGAAGTTGTCGTCATCTGCACTGCAGTCTTGAG[C>G]TAGATGTGGAGAAAGGACAATTGAGAACAGAAACAGTGACAAACTTTCAAATCTGTGTAT-3'